The following is an entry in ClinVar:

NM_000393.5(COL5A2):c.2854C>T (p.Arg952Cys)

Gene: COL5A2 (collagen type V alpha 2 chain; minus strand). Cytogenetic location: 2q32.2.
Variant type: single nucleotide variant.
Coding change: c.2854C>T on transcript NM_000393.5 (MANE Select); coding-DNA position 2854, C replaced by T.
Protein change: p.Arg952Cys; replaces arginine 952 with cysteine.
Molecular consequence: missense variant.
Genome position (GRCh38, 1-based): chr2:189,051,397, G>A on the plus strand (C>T on the coding strand, the complement: COL5A2 is on the minus strand). VCF-style: chr2-189051397-G-A. GRCh37 (hg19) VCF-style: chr2-189916123-G-A.
Other names: p.R952C:CGT>TGT; short protein forms R952C.
Identifiers: ClinVar variation 213111 (VCV000213111.22), dbSNP rs199530997, ClinGen allele CA322097.
Genomic context (GRCh38, chr2:189,051,397, plus strand): 5'-CTGGGTCCCCTTTGTCTCCTGGGCCACCAGGGGGGCCAGCTGGTCCTCGATCTCCCACAC[G>A]CCCATGAGAGCCAGGGTCCCCACGAAGACCTGGAGGTCCCTCCTTCCCGGGTTCCCCTAG-3'
Protein context (NP_000384.2, residues 942-962): GLRGDPGSHG[Arg952Cys]VGDRGPAGPP

ClinVar aggregate classification (germline): Conflicting classifications of pathogenicity. Review status: criteria provided, conflicting classifications (1 of 4 stars). 5 submissions from 5 submitters: Uncertain significance (2); Likely benign (3). Last evaluated 2026-01-16.

Conditions:
Ehlers-Danlos syndrome, classic type, 1 (EDSCL1). Also called: EHLERS-DANLOS SYNDROME, GRAVIS TYPE; EHLERS-DANLOS SYNDROME, SEVERE CLASSIC TYPE; Ehlers-Danlos syndrome, type 1; Ehlers-Danlos Syndrome, Classic Type, COL5A1-Related; EDS I. Identifiers: MedGen C0268335, MONDO:0019567, OMIM 130000.
Ehlers-Danlos syndrome (EDS). Identifiers: Orphanet 98249, MedGen C0013720, MONDO:0020066.
Familial thoracic aortic aneurysm and aortic dissection (TAAD). Also called: Thoracic aortic aneurysms and dissections. Identifiers: Orphanet 91387, MedGen C4707243, MONDO:0019625.

Allele frequency attached by ClinVar (database versions not stated): gnomAD 0.00006 and 0.00010; ExAC 0.00016; gnomAD exomes 0.00017; TOPMed 0.00017; 1000 Genomes Project 0.00060; 1000 Genomes Project 30x 0.00062.
gnomAD v4.1: 105 of 1,613,908 alleles (0.0065%); highest among the groups gnomAD compares: East Asian, 0.21%; no homozygotes.

Submissions (5):

Labcorp Genetics (formerly Invitae), Labcorp
Classification: Likely benign for Ehlers-Danlos syndrome, classic type, 1. Last evaluated: 2026-01-16. Review status: criteria provided, single submitter. Criteria: Invitae Variant Classification Sherloc (09022015). Collection method: clinical testing. Allele origin: germline.

Blueprint Genetics
Classification: Likely benign. Last evaluated: 2024-07-26. Review status: criteria provided, single submitter. Criteria: ACMG Guidelines, 2015. Collection method: clinical testing. Allele origin: germline.

GeneDx
Classification: Uncertain significance. Last evaluated: 2022-07-13. Review status: criteria provided, single submitter. Criteria: GeneDx Variant Classification Process June 2021. Collection method: clinical testing. Allele origin: germline. Affected: yes.
Comment: Has not been previously published as pathogenic or benign to our knowledge; Not located in the triple helical region, where the majority of pathogenic missense variants occur (Symoens et al., 2012; HGMD); In silico analysis supports that this missense variant has a deleterious effect on protein structure/function; This variant is associated with the following publications: (PMID: 22696272)

Genome Diagnostics Laboratory, The Hospital for Sick Children
Classification: Uncertain significance for Ehlers-Danlos syndrome. Last evaluated: 2021-11-12. Review status: criteria provided, single submitter. Criteria: ACMG Guidelines, 2015. Collection method: clinical testing. Allele origin: germline.

Ambry Genetics
Classification: Likely benign for Familial thoracic aortic aneurysm and aortic dissection. Last evaluated: 2019-12-20. Review status: criteria provided, single submitter. Criteria: Ambry Variant Classification Scheme 2023. Collection method: clinical testing. Allele origin: germline.